The following is an entry in ClinVar:

ClinVar aggregate classification (germline): Uncertain significance (1 of 4 stars; one submission).

Conditions:
Pheochromocytoma. Also called: MAX-Related Hereditary Paraganglioma-Pheochromocytoma Syndrome. Identifiers: Orphanet 29072, MedGen C0031511, MONDO:0008233, OMIM 171300, HP:0002666.
Gastrointestinal stromal tumor. Also called: Gastrointestinal stroma tumor; Gastrointestinal stromal tumor, somatic. Identifiers: Orphanet 44890, MedGen C0238198, MeSH D046152, MONDO:0011719, OMIM 606764, HP:0100723.
Pheochromocytoma/paraganglioma syndrome 4. Also called: CAROTID BODY TUMORS AND MULTIPLE EXTRAADRENAL PHEOCHROMOCYTOMAS; PARAGANGLIOMA, FAMILIAL MALIGNANT; PARAGANGLIOMAS, HEREDITARY EXTRAADRENAL; PHEOCHROMOCYTOMA, FAMILIAL EXTRAADRENAL; Paragangliomas 4; SDHB-Related Hereditary Paraganglioma-Pheochromocytoma Syndrome (Paragangliomas 4). Identifiers: Orphanet 29072, MedGen C1861848, MONDO:0007273, OMIM 115310.

Submission:

Labcorp Genetics (formerly Invitae), Labcorp
Classification: Uncertain significance for Gastrointestinal stromal tumor; Pheochromocytoma/paraganglioma syndrome 4; Pheochromocytoma. Last evaluated: 2025-09-08. Review status: criteria provided, single submitter. Criteria: Invitae Variant Classification Sherloc (09022015). Collection method: clinical testing. Allele origin: germline.
Comment: This sequence change replaces lysine, which is basic and polar, with threonine, which is neutral and polar, at codon 67 of the SDHB protein (p.Lys67Thr). This variant is not present in population databases (gnomAD no frequency). This variant has not been reported in the literature in individuals affected with SDHB-related conditions. An algorithm developed to predict the effect of missense changes on protein structure and function (PolyPhen-2) suggests that this variant is likely to be tolerated. In summary, the available evidence is currently insufficient to determine the role of this variant in disease. Therefore, it has been classified as a Variant of Uncertain Significance.

NM_003000.3(SDHB):c.200A>C (p.Lys67Thr)

Gene: SDHB (succinate dehydrogenase complex iron sulfur subunit B; minus strand). Cytogenetic location: 1p36.13.
Variant type: single nucleotide variant.
Coding change: c.200A>C on transcript NM_003000.3 (MANE Select); coding-DNA position 200, A replaced by C.
Protein change: p.Lys67Thr; replaces lysine 67 with threonine.
Molecular consequence: missense variant.
Genome position (GRCh38, 1-based): chr1:17,044,761, T>G on the plus strand (A>C on the coding strand, the complement: SDHB is on the minus strand). VCF-style: chr1-17044761-T-G. GRCh37 (hg19) VCF-style: chr1-17371256-T-G.
Other names: c.200A>C, p.Lys67Thr (NM_001407361.1); short protein forms K67T.
Identifiers: ClinVar variation 4791254 (VCV004791254.1).